The following is an entry in ClinVar:

ClinVar aggregate classification (germline): Uncertain significance. Review status: criteria provided, multiple submitters, no conflicts (2 of 4 stars). 3 submissions from 3 submitters: Uncertain significance (3). Last evaluated 2025-11-23.

Conditions:
Familial adenomatous polyposis 4 (FAP4). Also called: MSH3-related attenuated familial adenomatous polyposis. Identifiers: Orphanet 480536, MedGen C4310719, MONDO:0044300, OMIM 617100.
Hereditary cancer-predisposing syndrome. Also called: Neoplastic Syndromes, Hereditary; Hereditary Cancer Syndrome; Tumor predisposition; Hereditary neoplastic syndrome. Identifiers: Orphanet 140162, MedGen C0027672, MeSH D009386, MONDO:0015356.

Submissions (3):

Ambry Genetics
Classification: Uncertain significance for Hereditary cancer-predisposing syndrome. Last evaluated: 2025-11-23. Review status: criteria provided, single submitter. Criteria: Ambry Variant Classification Scheme 2023. Collection method: clinical testing. Allele origin: germline.
Comment: The p.C833W variant (also known as c.2499C>G), located in coding exon 18 of the MSH3 gene, results from a C to G substitution at nucleotide position 2499. The cysteine at codon 833 is replaced by tryptophan, an amino acid with highly dissimilar properties. This amino acid position is conserved. In addition, this alteration is predicted to be deleterious by in silico analysis. Since supporting evidence is limited at this time, the clinical significance of this alteration remains unclear.

Labcorp Genetics (formerly Invitae), Labcorp
Classification: Uncertain significance. Last evaluated: 2025-08-05. Review status: criteria provided, single submitter. Criteria: Invitae Variant Classification Sherloc (09022015). Collection method: clinical testing. Allele origin: germline.
Comment: This sequence change replaces cysteine, which is neutral and slightly polar, with tryptophan, which is neutral and slightly polar, at codon 833 of the MSH3 protein (p.Cys833Trp). This variant is not present in population databases (gnomAD no frequency). This variant has not been reported in the literature in individuals affected with MSH3-related conditions. ClinVar contains an entry for this variant (Variation ID: 854897). An algorithm developed to predict the effect of missense changes on protein structure and function (PolyPhen-2) suggests that this variant is likely to be disruptive. In summary, the available evidence is currently insufficient to determine the role of this variant in disease. Therefore, it has been classified as a Variant of Uncertain Significance.

GeneDx
Classification: Uncertain significance. Last evaluated: 2022-08-23. Review status: criteria provided, single submitter. Criteria: GeneDx Variant Classification Process June 2021. Collection method: clinical testing. Allele origin: germline. Affected: yes.
Comment: Not observed at significant frequency in large population cohorts (gnomAD); In silico analysis supports that this missense variant has a deleterious effect on protein structure/function; Has not been previously published as pathogenic or benign to our knowledge

NM_002439.5(MSH3):c.2499C>G (p.Cys833Trp)

Gene: MSH3 (mutS homolog 3; plus strand). Cytogenetic location: 5q14.1.
Variant type: single nucleotide variant.
Coding change: c.2499C>G on transcript NM_002439.5 (MANE Select); coding-DNA position 2499, C replaced by G.
Protein change: p.Cys833Trp; replaces cysteine 833 with tryptophan.
Molecular consequence: missense variant.
Genome position (GRCh38, 1-based): chr5:80,787,628, C>G. VCF-style: chr5-80787628-C-G. GRCh37 (hg19) VCF-style: chr5-80083447-C-G.
Other names: short protein forms C833W.
Identifiers: ClinVar variation 854897 (VCV000854897.13), dbSNP rs1744532481, ClinGen allele CA360283277.